The following is an entry in ClinVar:

ClinVar aggregate classification (germline): Conflicting classifications of pathogenicity. Review status: criteria provided, conflicting classifications (1 of 4 stars). 6 submissions from 6 submitters: Pathogenic (2); Likely pathogenic (2); Uncertain significance (2). Last evaluated 2025-12-24.

Conditions:
Familial melanoma. Also called: Hereditary melanoma; Hereditary cutaneous melanoma. Identifiers: Orphanet 618, MedGen C1512419, MONDO:0018961.
Melanoma-pancreatic cancer syndrome. Identifiers: Orphanet 404560, MedGen C1838547, MONDO:0011713, OMIM 606719. Disease mechanism: loss of function.
Hereditary cancer-predisposing syndrome. Also called: Hereditary neoplastic syndrome; Neoplastic Syndromes, Hereditary; Hereditary Cancer Syndrome; Tumor predisposition. Identifiers: Orphanet 140162, MedGen C0027672, MeSH D009386, MONDO:0015356.

Allele frequency attached by ClinVar (database versions not stated): TOPMed below 0.00001; gnomAD 0.00001; ExAC 0.00002.
gnomAD v4.1: 64 of 1,612,992 alleles (0.004%); highest among the groups gnomAD compares: Non-Finnish European, 0.0054%; no homozygotes.

Submissions (6):

Labcorp Genetics (formerly Invitae), Labcorp
Classification: Pathogenic for Familial melanoma. Last evaluated: 2025-12-24. Review status: criteria provided, single submitter. Criteria: Invitae Variant Classification Sherloc (09022015). Collection method: clinical testing. Allele origin: germline.
Comment: This sequence change replaces glycine, which is neutral and non-polar, with alanine, which is neutral and non-polar, at codon 35 of the CDKN2A (p16INK4a) protein (p.Gly35Ala). This variant is present in population databases (rs746834149, gnomAD 0.003%). This missense change has been observed in individual(s) with melanoma (PMID: 8595405, 9425228, 12072543, 12556369, 19260062, 19759551, 21462282, 22841127; internal data). It has also been observed to segregate with disease in related individuals. This variant is also known as 98G>C (Gly27Ala). ClinVar contains an entry for this variant (Variation ID: 463481). An algorithm developed to predict the effect of missense changes on protein structure and function (PolyPhen-2) suggests that this variant is likely to be disruptive. Experimental studies are conflicting or provide insufficient evidence to determine the effect of this variant on CDKN2A (p16INK4a) function (PMID: 14745721, 19260062, 20340136, 23190892, 24659262). For these reasons, this variant has been classified as Pathogenic.

Molecular Pathology, Peter Maccallum Cancer Centre
Classification: Likely pathogenic for Melanoma-pancreatic cancer syndrome. Last evaluated: 2025-05-21. Review status: criteria provided, single submitter. Criteria: ACMG Guidelines, 2015. Collection method: clinical testing. Allele origin: germline. Inheritance: Autosomal dominant inheritance.

Ambry Genetics
Classification: Pathogenic for Hereditary cancer-predisposing syndrome. Last evaluated: 2024-11-18. Review status: criteria provided, single submitter. Criteria: Ambry Variant Classification Scheme 2023. Collection method: clinical testing. Allele origin: germline.
Comment: The p.G35A pathogenic mutation (also known as c.104G>C), located in coding exon 1 of the CDKN2A gene, results from a G to C substitution at nucleotide position 104. The glycine at codon 35 is replaced by alanine, an amino acid with similar properties. This alteration has been observed in multiple individuals with a personal and/or family history that is consistent with CDKN2A-related disease (Ambry internal data). This alteration has been identified in numerous cutaneous melanoma kindreds and was found to segregate with disease in multiple families (Ambry internal data; Walker GJ et al. Hum. Mol. Genet. 1995 Oct;4:1845-52; Soufir N et al. Hum. Mol. Genet. 1998 Feb;7:209-16; Goldstein AM et al. Cancer Res. 2006 Oct;66:9818-28). It has also been identified in an individual with uveal melanoma (Hearle N et al. Invest. Ophthalmol. Vis. Sci. 2003 Feb;44:458-62). In the majority of functional assays, the p.G35A mutant demonstrates partially deficient CDK4 binding ability, cellular localization, and cell proliferation (Ghiorzo P et al. Hum. Pathol. 2004 Jan;35:25-33; Kannengiesser C et al. Hum. Mutat. 2009 Apr;30:564-74; McKenzie HA et al. Hum. Mutat. 2010 Jun;31:692-701; Scaini MC et al. Hum. Mutat. 2014 Jul;35:828-40); however, in oxidative function and cell cycle assays, p.G35A retained wild type function (Jenkins NC et al. J. Invest. Dermatol. 2013 Apr;133:1043-51). Based on internal structural analysis, this variant is anticipated to result in a significant decrease in structural stability (Ambry Internal Data; Byeon IJ et al. Mol Cell 1998 Feb;1(3):421-31). This amino acid position is highly conserved in available vertebrate species. In addition, this alteration is predicted to be deleterious by in silico analysis. Based on the supporting evidence, this alteration is interpreted as a disease-causing mutation.

Color Diagnostics, LLC DBA Color Health
Classification: Likely pathogenic for Hereditary cancer-predisposing syndrome. Last evaluated: 2023-08-21. Review status: criteria provided, single submitter. Criteria: ACMG Guidelines, 2015. Collection method: clinical testing. Allele origin: germline.
Comment: This missense variant replaces glycine with alanine at codon 35 in the ankyrin repeat 1 of the CDKN2A (p16INK4A) protein. Computational prediction suggests that this variant may have deleterious impact on protein structure and function (internally defined REVEL score threshold >= 0.7, PMID: 27666373). Functional studies have shown that this variant protein exhibits reduced CDK4 and CDK6 binding (PMID: 19260062, 20340136) and partially impaired capacity to inhibit cell proliferation (PMID: 19260062, 23190892, 24659262). This variant has been reported in many individuals affected with melanoma (PMID: 8595405, 9425228, 12072543, 12556369, 17047042, 19260062, 20340136, 22841127, 28830827) and in an individual affected with breast cancer and sarcoma (PMID: 25503501). This variant has also been identified in 3/244916 chromosomes in the general population by the Genome Aggregation Database (gnomAD). Based on the available evidence, this variant is classified as Likely Pathogenic.

GeneDx
Classification: Uncertain significance. Last evaluated: 2022-07-05. Review status: criteria provided, single submitter. Criteria: GeneDx Variant Classification Process June 2021. Collection method: clinical testing. Allele origin: germline. Affected: yes.
Comment: Not observed at significant frequency in large population cohorts (gnomAD); In silico analysis supports that this missense variant has a deleterious effect on protein structure/function; Observed in individuals with a personal or family history of melanoma (Walker et al., 1995; Soufir et al., 1998; Hearle et al., 2003; Cust et al., 2011; Maxwell et al., 2015); Published functional studies demonstrate reduced ability to bind to CDK4 and CDK6 and altered subcellular localization in some assays, while others showed much higher residual CDK4 binding, intermediate levels of cell proliferation arrest, and no impairment in oxidative or cell cycle function (Kannengiesser et al., 2009; McKenzie et al., 2010; Jenkins et al., 2013; Scaini et al., 2014); This variant is associated with the following publications: (PMID: 26206799, 9425228, 19260062, 24659262, 16905682, 10070944, 9132280, 15146471, 25780468, 18573309, 12556369, 12072543, 28440912, 9823374, 20340136, 23190892, 21462282, 9416844, 25503501, 21325014, 11500805, 8595405, 22841127, 28830827, 17047042, 14745721, 9653180, 9529249, 16173922)

Sema4
Classification: Uncertain significance for Hereditary cancer-predisposing syndrome. Last evaluated: 2022-02-10. Review status: criteria provided, single submitter. Criteria: Sema4 Curation Guidelines. Collection method: curation. Allele origin: germline.
Comment: The CDKN2A c.104G>C (p.G35A) variant has been reported in several individuals with melanoma and in an individual with breast cancer (PMIDs: 8595405, 9425228, 12072543, 12556369, 14745721, 17047042, 19759551, 22841127, 25503501, 25780468). This variant is located in the first exon of CDKN2A alpha transcript, which encodes the p16INK4a tumor suppressor protein. It was observed in 3/109524 chromosomes of the Non-Finnish European subpopulation in the large and broad cohorts of the Genome Aggregation Database (PMID: 32461654). The variant has been reported in ClinVar (Variation ID 463481). In silico tools suggest the impact of the variant on protein function is deleterious. Functional studies have shown that the variant affect protein localization and CDK4 and CDK6 binding (PMIDs: 19260062, 2034013). However another study suggests that the variant has no impact on cell cycle function (PMID: 23190892). The overall evidence is inconsistent with ACMG/AMP requirements for a classification of benign or pathogenic. Thus, the clinical significance of this variant is currently uncertain.

Literature cited by the submitters: PubMed 8595405 (cited by 3 submitters); PubMed 9425228 (cited by 3 submitters); PubMed 12072543 (cited by Labcorp Genetics (formerly Invitae), Labcorp and Color Diagnostics, LLC DBA Color Health); PubMed 12556369 (cited by 3 submitters); PubMed 19260062 (cited by 3 submitters); PubMed 19759551 (cited by Labcorp Genetics (formerly Invitae), Labcorp); PubMed 21462282 (cited by Labcorp Genetics (formerly Invitae), Labcorp); PubMed 22841127 (cited by 3 submitters); PubMed 14745721 (cited by Labcorp Genetics (formerly Invitae), Labcorp and Ambry Genetics); PubMed 20340136 (cited by 3 submitters); PubMed 23190892 (cited by 4 submitters); PubMed 24659262 (cited by 3 submitters); PubMed 17047042 (cited by Ambry Genetics and Color Diagnostics, LLC DBA Color Health); PubMed 25503501 (cited by Ambry Genetics and Color Diagnostics, LLC DBA Color Health); PubMed 25780468 (cited by Ambry Genetics); PubMed 28830827 (cited by Ambry Genetics and Color Diagnostics, LLC DBA Color Health); PubMed 9660926 (cited by Ambry Genetics).

NM_000077.5(CDKN2A):c.104G>C (p.Gly35Ala)

Gene: CDKN2A (cyclin dependent kinase inhibitor 2A; minus strand). Cytogenetic location: 9p21.3.
Variant type: single nucleotide variant.
Coding change: c.104G>C on transcript NM_000077.5; coding-DNA position 104, G replaced by C.
Protein change: p.Gly35Ala; replaces glycine 35 with alanine.
Molecular consequence: missense variant (on NM_000077.6). On other transcripts: intron variant (2).
Genome position (GRCh38, 1-based): chr9:21,974,724, C>G on the plus strand (G>C on the coding strand, the complement: CDKN2A is on the minus strand). VCF-style: chr9-21974724-C-G. GRCh37 (hg19) VCF-style: chr9-21974723-C-G.
Other names: c.104G>C, p.Gly35Ala (NM_000077.6, NM_001195132.2, NM_058197.5); c.-3-3516G>C (NM_001363763.2); c.194-3516G>C (NM_058195.4); short protein forms G35A.
Identifiers: ClinVar variation 463481 (VCV000463481.25), dbSNP rs746834149, ClinGen allele CA5012316.